The following is an entry in ClinVar:

NM_024301.5(FKRP):c.1296G>A (p.Trp432Ter)

Gene: FKRP (fukutin related protein; plus strand). Cytogenetic location: 19q13.32.
Variant type: single nucleotide variant.
Coding change: c.1296G>A on transcript NM_024301.5 (MANE Select); coding-DNA position 1296, G replaced by A.
Protein change: p.Trp432Ter; replaces tryptophan 432 with a stop codon.
Molecular consequence: nonsense.
Genome position (GRCh38, 1-based): chr19:46,756,746, G>A. VCF-style: chr19-46756746-G-A. GRCh37 (hg19) VCF-style: chr19-47260003-G-A.
Other names: c.1296G>A, p.Trp432Ter (NM_001039885.3); short protein forms W432*.
Identifiers: ClinVar variation 654883 (VCV000654883.10), dbSNP rs1599939853, ClinGen allele CA406497073.
Genomic context (GRCh38, chr19:46,756,746, plus strand): 5'-CTTGCACGTGGACCTGTGGCCCTTCTACCCCCGCAATGGCGTCATGACCAAGGACACGTG[G>A]CTGGACCACCGGCAGGATGTGGAGTTTCCCGAGCACTTCCTGCAGCCGCTGGTGCCCCTG-3'

ClinVar aggregate classification (germline): Pathogenic/Likely pathogenic. Review status: criteria provided, multiple submitters, no conflicts (2 of 4 stars). 2 submissions from 2 submitters: Pathogenic (1); Likely pathogenic (1). Last evaluated 2023-10-03.

Conditions:
Walker-Warburg congenital muscular dystrophy. Also called: Muscular dystrophy-dystroglycanopathy, type A; Walker-Warburg syndrome. Identifiers: Orphanet 899, MedGen C0265221, MONDO:0000171.
Muscular dystrophy-dystroglycanopathy type B5 (MDDGB5). Also called: MUSCULAR DYSTROPHY, CONGENITAL, 1C; MUSCULAR DYSTROPHY, CONGENITAL, FKRP-RELATED; MUSCULAR DYSTROPHY-DYSTROGLYCANOPATHY (CONGENITAL WITH OR WITHOUT IMPAIRED INTELLECTUAL DEVELOPMENT), TYPE B, 5. Identifiers: MedGen C1847759, MONDO:0011688, OMIM 606612.
Autosomal recessive limb-girdle muscular dystrophy type 2I. Also called: MUSCULAR DYSTROPHY-DYSTROGLYCANOPATHY, LIMB-GIRDLE, FRKP-RELATED; MUSCULAR DYSTROPHY, LIMB-GIRDLE, TYPE 2I; MUSCULAR DYSTROPHY-DYSTROGLYCANOPATHY (LIMB-GIRDLE), TYPE C, 5. Identifiers: Orphanet 34515, MedGen C1846672, MONDO:0011787, OMIM 607155.
Muscular dystrophy-dystroglycanopathy (congenital with brain and eye anomalies), type A1 (MDDGA1). Also called: Muscular dystrophy-dystroglycanopathy (congenital with brain and eye anomalies), type A, 1; COD-MD SYNDROME; WALKER-WARBURG SYNDROME OR MUSCLE-EYE-BRAIN DISEASE, POMT1-RELATED; Hydrocephalus, agyria and retinal dysplasia; Hard +/- E syndrome; Warburg syndrome. Identifiers: Orphanet 588, Orphanet 899, MedGen C4284790, MONDO:0009364, OMIM 236670.
Muscular dystrophy-dystroglycanopathy (congenital with brain and eye anomalies), type A5. Also called: WALKER-WARBURG SYNDROME OR MUSCLE-EYE-BRAIN DISEASE, FKRP-RELATED; MUSCULAR DYSTROPHY-DYSTROGLYCANOPATHY (CONGENITAL WITH BRAIN AND EYE ANOMALIES), TYPE A, 5. Identifiers: Orphanet 588, Orphanet 899, MedGen C3150413, MONDO:0013157, OMIM 613153.

Submissions (2):

Labcorp Genetics (formerly Invitae), Labcorp
Classification: Pathogenic for Walker-Warburg congenital muscular dystrophy. Last evaluated: 2023-10-03. Review status: criteria provided, single submitter. Criteria: Invitae Variant Classification Sherloc (09022015). Collection method: clinical testing. Allele origin: germline.
Comment: This sequence change creates a premature translational stop signal (p.Trp432*) in the FKRP gene. While this is not anticipated to result in nonsense mediated decay, it is expected to disrupt the last 64 amino acid(s) of the FKRP protein. This variant is not present in population databases (gnomAD no frequency). This variant has not been reported in the literature in individuals affected with FKRP-related conditions. ClinVar contains an entry for this variant (Variation ID: 654883). This variant disrupts a region of the FKRP protein in which other variant(s) (p.Ile478Thr) have been determined to be pathogenic (PMID: 16476814, 18639457, 19299310). This suggests that this is a clinically significant region of the protein, and that variants that disrupt it are likely to be disease-causing. For these reasons, this variant has been classified as Pathogenic.

Fulgent Genetics
Classification: Likely pathogenic for Muscular dystrophy-dystroglycanopathy (congenital with brain and eye anomalies), type A1; Muscular dystrophy-dystroglycanopathy type B5; Autosomal recessive limb-girdle muscular dystrophy type 2I; Muscular dystrophy-dystroglycanopathy (congenital with brain and eye anomalies), type A5. Last evaluated: 2021-11-18. Review status: criteria provided, single submitter. Criteria: ACMG Guidelines, 2015. Collection method: clinical testing. Allele origin: unknown.

Literature cited by the submitters: PubMed 16476814 (cited by Labcorp Genetics (formerly Invitae), Labcorp); PubMed 18639457 (cited by Labcorp Genetics (formerly Invitae), Labcorp); PubMed 19299310 (cited by Labcorp Genetics (formerly Invitae), Labcorp).